The following is an entry in ClinVar:

ClinVar aggregate classification (germline): Uncertain significance (1 of 4 stars; one submission).

Submission:

Labcorp Genetics (formerly Invitae), Labcorp
Classification: Uncertain significance. Last evaluated: 2024-07-31. Review status: criteria provided, single submitter. Criteria: Invitae Variant Classification Sherloc (09022015). Collection method: clinical testing. Allele origin: germline.
Comment: This sequence change replaces alanine, which is neutral and non-polar, with tyrosine, which is neutral and polar, at codon 420 of the RBP3 protein (p.Ala420Tyr). Information on the frequency of this variant in the gnomAD database is not available, as this variant may be reported differently in the database. This variant has not been reported in the literature in individuals affected with RBP3-related conditions. ClinVar contains an entry for this variant (Variation ID: 971235). An algorithm developed to predict the effect of missense changes on protein structure and function (PolyPhen-2) suggests that this variant is likely to be disruptive. In summary, the available evidence is currently insufficient to determine the role of this variant in disease. Therefore, it has been classified as a Variant of Uncertain Significance.

NM_002900.3(RBP3):c.1258_1259delinsTA (p.Ala420Tyr)

Gene: RBP3 (retinol binding protein 3; plus strand). Cytogenetic location: 10q11.22.
Variant type: Indel.
Coding change: c.1258_1259delinsTA on transcript NM_002900.3 (MANE Select); coding-DNA positions 1258 to 1259, GC replaced by TA.
Protein change: p.Ala420Tyr; replaces alanine 420 with tyrosine.
Molecular consequence: missense variant.
Genome position (GRCh38, 1-based): chr10:47,349,742-47,349,743, GC replaced by TA. VCF-style: chr10-47349742-GC-TA. GRCh37 (hg19) VCF-style: chr10-48389619-GC-TA.
Other names: short protein forms A420Y.
Identifiers: ClinVar variation 971235 (VCV000971235.8), dbSNP rs1836927259, ClinGen allele CA1139661428.